The following is an entry in ClinVar:

ClinVar aggregate classification (germline): Uncertain significance (1 of 4 stars; one submission).

Conditions:
Left ventricular noncompaction 8 (LVNC8). Identifiers: Orphanet 154, Orphanet 54260, MedGen C3809288, MONDO:0014152, OMIM 615373.

Allele frequency attached by ClinVar (database versions not stated): TOPMed 0.00001.
gnomAD v4.1: 7 of 1,613,748 alleles (0.00043%); highest among the groups gnomAD compares: Admixed American, 0.0067%; no homozygotes.

Submission:

Labcorp Genetics (formerly Invitae), Labcorp
Classification: Uncertain significance for Left ventricular noncompaction 8. Last evaluated: 2024-04-29. Review status: criteria provided, single submitter. Criteria: Invitae Variant Classification Sherloc (09022015). Collection method: clinical testing. Allele origin: germline.
Comment: This sequence change replaces glycine, which is neutral and non-polar, with arginine, which is basic and polar, at codon 707 of the PRDM16 protein (p.Gly707Arg). This variant is present in population databases (rs767432596, gnomAD 0.01%). This variant has not been reported in the literature in individuals affected with PRDM16-related conditions. ClinVar contains an entry for this variant (Variation ID: 855623). An algorithm developed to predict the effect of missense changes on protein structure and function (PolyPhen-2) suggests that this variant is likely to be disruptive. In summary, the available evidence is currently insufficient to determine the role of this variant in disease. Therefore, it has been classified as a Variant of Uncertain Significance.

NM_022114.4(PRDM16):c.2119G>C (p.Gly707Arg)

Gene: PRDM16 (PR/SET domain 16; plus strand). Cytogenetic location: 1p36.32.
Variant type: single nucleotide variant.
Coding change: c.2119G>C on transcript NM_022114.4 (MANE Select); coding-DNA position 2119, G replaced by C.
Protein change: p.Gly707Arg; replaces glycine 707 with arginine.
Molecular consequence: missense variant.
Genome position (GRCh38, 1-based): chr1:3,412,316, G>C. VCF-style: chr1-3412316-G-C. GRCh37 (hg19) VCF-style: chr1-3328880-G-C.
Other names: c.2119G>C, p.Gly707Arg (NM_199454.3); short protein forms G707R.
Identifiers: ClinVar variation 855623 (VCV000855623.9), dbSNP rs767432596, ClinGen allele CA544389.